The following is an entry in ClinVar:

ClinVar aggregate classification (germline): Uncertain significance (1 of 4 stars; one submission).

Conditions:
CHARGE syndrome (CHARGE). Also called: Hittner Hirsch Kreh syndrome; CHARGE ASSOCIATION--COLOBOMA, HEART ANOMALY, CHOANAL ATRESIA, RETARDATION, GENITAL AND EAR ANOMALIES; Coloboma, heart anomaly, choanal atresia, retardation, genital and ear anomalies; CHARGE association; Hall-Hittner syndrome. Identifiers: Orphanet 138, MedGen C0265354, MONDO:0008965.

gnomAD v4.1: 2 of 1,584,178 alleles (0.00013%); highest among the groups gnomAD compares: Non-Finnish European, 0.00017%; no homozygotes.

Submission:

Labcorp Genetics (formerly Invitae), Labcorp
Classification: Uncertain significance for CHARGE syndrome. Last evaluated: 2024-09-13. Review status: criteria provided, single submitter. Criteria: Invitae Variant Classification Sherloc (09022015). Collection method: clinical testing. Allele origin: germline.
Comment: This sequence change replaces serine, which is neutral and polar, with isoleucine, which is neutral and non-polar, at codon 916 of the CHD7 protein (p.Ser916Ile). This variant is not present in population databases (gnomAD no frequency). This variant has not been reported in the literature in individuals affected with CHD7-related conditions. Invitae Evidence Modeling of protein sequence and biophysical properties (such as structural, functional, and spatial information, amino acid conservation, physicochemical variation, residue mobility, and thermodynamic stability) indicates that this missense variant is expected to disrupt CHD7 protein function with a positive predictive value of 95%. In summary, the available evidence is currently insufficient to determine the role of this variant in disease. Therefore, it has been classified as a Variant of Uncertain Significance.

NM_017780.4(CHD7):c.2747G>T (p.Ser916Ile)

Gene: CHD7 (chromodomain helicase DNA binding protein 7; plus strand). Cytogenetic location: 8q12.2.
Variant type: single nucleotide variant.
Coding change: c.2747G>T on transcript NM_017780.4 (MANE Select); coding-DNA position 2747, G replaced by T.
Protein change: p.Ser916Ile; replaces serine 916 with isoleucine.
Molecular consequence: missense variant. On other transcripts: intron variant (1).
Genome position (GRCh38, 1-based): chr8:60,821,839, G>T. VCF-style: chr8-60821839-G-T. GRCh37 (hg19) VCF-style: chr8-61734398-G-T.
Other names: c.1717-40390G>T (NM_001316690.1); short protein forms S916I.
Identifiers: ClinVar variation 3719058 (VCV003719058.2).
Genomic context (GRCh38, chr8:60,821,839, plus strand): 5'-ATCTGGTCCAGCCTGTGACTCACTATCTGGTGAAGTGGTGTTCACTTCCTTATGAAGACA[G>T]CACGTGGGAGCGGAGGCAGGACATAGATCAAGCAAAGATCGAGGAGTTTGAGAAACTAAT-3'
Protein context (NP_060250.2, residues 906-926): VKWCSLPYED[Ser916Ile]TWERRQDIDQ